The following is an entry in ClinVar:

ClinVar aggregate classification (germline): Benign. Review status: criteria provided, multiple submitters, no conflicts (2 of 4 stars). 8 submissions from 8 submitters: Benign (6). 2 of the submissions do not count toward it. Last evaluated 2026-02-03.

Conditions:
PRICKLE1-related disorder. Also called: PRICKLE1-Related Disorders; PRICKLE1-related condition. Identifiers: MedGen CN381536.
Epilepsy, progressive myoclonic, 1B. Also called: PME. Identifiers: Orphanet 308, MedGen C2676254, MONDO:0012904, OMIM 612437.

Allele frequency attached by ClinVar (database versions not stated): gnomAD exomes 0.00326 and 0.01121; ExAC 0.01025; 1000 Genomes Project 0.03235; gnomAD 0.00631 and 0.00758; TOPMed 0.00893; 1000 Genomes Project 30x 0.03123; ESP Exome Variant Server 0.00338.

Submissions (8):

Labcorp Genetics (formerly Invitae), Labcorp
Classification: Benign for Epilepsy, progressive myoclonic, 1B. Last evaluated: 2026-02-03. Review status: criteria provided, single submitter. Criteria: Invitae Variant Classification Sherloc (09022015). Collection method: clinical testing. Allele origin: germline.

Athena Diagnostics
Classification: Benign. Last evaluated: 2024-01-24. Review status: criteria provided, single submitter. Criteria: Athena Diagnostics Criteria. Collection method: clinical testing. Allele origin: unknown.

Ambry Genetics
Classification: Benign. Last evaluated: 2016-05-06. Review status: criteria provided, single submitter. Criteria: Ambry Variant Classification Scheme 2023. Collection method: clinical testing. Allele origin: germline.

GeneDx
Classification: Benign. Last evaluated: 2014-04-08. Review status: criteria provided, single submitter. Criteria: GeneDx Variant Classification (06012015). Collection method: clinical testing. Allele origin: germline. Affected: yes.
Comment: This variant is considered likely benign or benign based on one or more of the following criteria: it is a conservative change, it occurs at a poorly conserved position in the protein, it is predicted to be benign by multiple in silico algorithms, and/or has population frequency not consistent with disease.

Eurofins Ntd Llc (ga)
Classification: Benign. Last evaluated: 2014-02-28. Review status: criteria provided, single submitter. Criteria: EGL Classification Definitions 2015. Collection method: clinical testing. Allele origin: germline. Observed: 1 variant allele, 1 heterozygote.

Breakthrough Genomics
Classification: Benign. Review status: criteria provided, single submitter. Criteria: ACMG Guidelines, 2015. Collection method: not provided. Allele origin: germline. Inheritance: Autosomal recessive inheritance. Affected: yes.

PreventionGenetics, part of Exact Sciences
Classification: Benign for PRICKLE1-related condition. Last evaluated: 2019-05-29. Review status: no assertion criteria provided. Collection method: clinical testing. Allele origin: germline. Not counted in ClinVar's aggregate classification.
Comment: This variant is classified as benign based on ACMG/AMP sequence variant interpretation guidelines (Richards et al. 2015 PMID: 25741868, with internal and published modifications).

Genetic Services Laboratory, University of Chicago
Classification: Likely benign for AllHighlyPenetrant. Review status: no assertion criteria provided. Collection method: clinical testing. Allele origin: germline. Inheritance: Autosomal recessive inheritance. Not counted in ClinVar's aggregate classification.
Comment: Likely benign based on allele frequency in 1000 Genomes Project or ESP global frequency and its presence in a patient with a rare or unrelated disease phenotype. NOT Sanger confirmed.

Literature cited by the submitters: PubMed 24689077 (cited by Athena Diagnostics).

NM_153026.3(PRICKLE1):c.374T>C (p.Val125Ala)

Gene: PRICKLE1 (prickle planar cell polarity protein 1; minus strand). Cytogenetic location: 12q12.
Variant type: single nucleotide variant.
Coding change: c.374T>C on transcript NM_153026.3 (MANE Select); coding-DNA position 374, T replaced by C.
Protein change: p.Val125Ala; replaces valine 125 with alanine.
Molecular consequence: missense variant.
Genome position (GRCh38, 1-based): chr12:42,469,460, A>G on the plus strand (T>C on the coding strand, the complement: PRICKLE1 is on the minus strand). VCF-style: chr12-42469460-A-G. GRCh37 (hg19) VCF-style: chr12-42863262-A-G.
Other names: p.V125A:GTG>GCG; c.374T>C, p.Val125Ala (NM_001144881.2, NM_001144882.2, NM_001144883.2); short protein forms V125A.
Identifiers: ClinVar variation 130028 (VCV000130028.28), dbSNP rs34837068, ClinGen allele CA288999.